The following is an entry in ClinVar:

ClinVar aggregate classification (germline): Uncertain significance (1 of 4 stars; one submission).

Allele frequency attached by ClinVar (database versions not stated): gnomAD exomes below 0.00001.

Submission:

Labcorp Genetics (formerly Invitae), Labcorp
Classification: Uncertain significance. Last evaluated: 2022-03-04. Review status: criteria provided, single submitter. Criteria: Invitae Variant Classification Sherloc (09022015). Collection method: clinical testing. Allele origin: germline.
Comment: In summary, the available evidence is currently insufficient to determine the role of this variant in disease. Therefore, it has been classified as a Variant of Uncertain Significance. Algorithms developed to predict the effect of missense changes on protein structure and function (SIFT, PolyPhen-2, Align-GVGD) all suggest that this variant is likely to be disruptive. This variant has not been reported in the literature in individuals affected with LZTR1-related conditions. This variant is not present in population databases (gnomAD no frequency). This sequence change replaces glycine, which is neutral and non-polar, with glutamic acid, which is acidic and polar, at codon 112 of the LZTR1 protein (p.Gly112Glu).

NM_006767.4(LZTR1):c.335G>A (p.Gly112Glu)

Gene: LZTR1 (leucine zipper like post translational regulator 1; plus strand). Cytogenetic location: 22q11.21.
Variant type: single nucleotide variant.
Coding change: c.335G>A on transcript NM_006767.4 (MANE Select); coding-DNA position 335, G replaced by A.
Protein change: p.Gly112Glu; replaces glycine 112 with glutamic acid.
Molecular consequence: missense variant.
Genome position (GRCh38, 1-based): chr22:20,987,518, G>A. VCF-style: chr22-20987518-G-A. GRCh37 (hg19) VCF-style: chr22-21341807-G-A.
Other names: short protein forms G112E.
Identifiers: ClinVar variation 2095009 (VCV002095009.4), dbSNP rs2518612438, ClinGen allele CA410779265.